The following is an entry in ClinVar:

NM_000022.4(ADA):c.1078+164G>A

Gene: ADA (adenosine deaminase; minus strand). Cytogenetic location: 20q13.12.
Variant type: single nucleotide variant.
Coding change: c.1078+164G>A on transcript NM_000022.4 (MANE Select); 164 bases into the intron after coding-DNA position 1078, G replaced by A.
Molecular consequence: intron variant.
Genome position (GRCh38, 1-based): chr20:44,620,135, C>T on the plus strand (G>A on the coding strand, the complement: ADA is on the minus strand). VCF-style: chr20-44620135-C-T. GRCh37 (hg19) VCF-style: chr20-43248776-C-T.
Other names: c.673+164G>A (NM_001322050.2); c.1006+164G>A (NM_001322051.2).
Identifiers: ClinVar variation 3770779 (VCV003770779.13).

ClinVar aggregate classification (germline): Likely benign (1 of 4 stars; one submission).

gnomAD v4.1: 177 of 152,302 alleles (0.12%); highest among the groups gnomAD compares: Non-Finnish European, 0.093%; no homozygotes.

Submission:

CeGaT Center for Human Genetics Tuebingen
Classification: Likely benign. Last evaluated: 2025-01-01. Review status: criteria provided, single submitter. Criteria: CeGaT Center For Human Genetics Tuebingen Variant Classification Criteria Version 2. Collection method: clinical testing. Allele origin: germline. Affected: yes. Observed: 1 variant allele.
Comment: ADA: BP4, BP7